The following is an entry in ClinVar:

NM_000240.4(MAOA):c.1549G>A (p.Val517Met)

Gene: MAOA (monoamine oxidase A; plus strand). Cytogenetic location: Xp11.3.
Variant type: single nucleotide variant.
Coding change: c.1549G>A on transcript NM_000240.4 (MANE Select); coding-DNA position 1549, G replaced by A.
Protein change: p.Val517Met; replaces valine 517 with methionine.
Molecular consequence: missense variant.
Genome position (GRCh38, 1-based): chrX:43,744,478, G>A. VCF-style: chrX-43744478-G-A. GRCh37 (hg19) VCF-style: chrX-43603725-G-A.
Other names: c.1549G>A (NM_000240.3); c.1150G>A, p.Val384Met (NM_001270458.2); short protein forms V517M, V384M.
Identifiers: ClinVar variation 2299098 (VCV002299098.6), dbSNP rs140960519, ClinGen allele CA329466951.

ClinVar aggregate classification (germline): Uncertain significance. Review status: criteria provided, multiple submitters, no conflicts (2 of 4 stars). 4 submissions from 4 submitters: Uncertain significance (4). Last evaluated 2025-09-26.

Conditions:
Inborn genetic diseases. Identifiers: MedGen C0950123, MeSH D030342.
MAOA-related disorder. Also called: MAOA-related condition.

Allele frequency attached by ClinVar (database versions not stated): gnomAD exomes below 0.00001; TOPMed below 0.00001; ESP Exome Variant Server 0.00009.

Submissions (4):

Women's Health and Genetics/Laboratory Corporation of America, LabCorp
Classification: Uncertain significance. Last evaluated: 2025-09-26. Review status: criteria provided, single submitter. Criteria: LabCorp Variant Classification Summary - May 2015. Collection method: clinical testing. Allele origin: germline.
Comment: Variant summary: MAOA c.1549G>A (p.Val517Met) results in a conservative amino acid change in the encoded protein sequence. Algorithms developed to predict the effect of missense changes on protein structure and function all suggest that this variant is likely to be tolerated. The variant allele was found at a frequency of 5.5e-06 in 183231 control chromosomes. The available data on variant occurrences in the general population are insufficient to allow any conclusion about variant significance. To our knowledge, no occurrence of c.1549G>A in individuals affected with MAOA-related conditions and no experimental evidence demonstrating its impact on protein function have been reported. ClinVar contains an entry for this variant (Variation ID: 2299098). Based on the evidence outlined above, the variant was classified as uncertain significance.

Ambry Genetics
Classification: Uncertain significance for Inborn genetic diseases. Last evaluated: 2024-09-02. Review status: criteria provided, single submitter. Criteria: Ambry Variant Classification Scheme 2023. Collection method: clinical testing. Allele origin: germline.

GeneDx
Classification: Uncertain significance. Last evaluated: 2022-11-18. Review status: criteria provided, single submitter. Criteria: GeneDx Variant Classification Process June 2021. Collection method: clinical testing. Allele origin: germline. Affected: yes.
Comment: In silico analysis supports that this missense variant does not alter protein structure/function; Has not been previously published as pathogenic or benign to our knowledge

PreventionGenetics, part of Exact Sciences
Classification: Uncertain significance for MAOA-related condition. Last evaluated: 2022-10-26. Review status: criteria provided, single submitter. Criteria: ACMG Guidelines, 2015. Collection method: clinical testing. Allele origin: germline.
Comment: The MAOA c.1549G>A variant is predicted to result in the amino acid substitution p.Val517Met. To our knowledge, this variant has not been reported in the literature. This variant is reported in 0.0012% of alleles in individuals of European (Non-Finnish) descent in gnomAD. At this time, the clinical significance of this variant is uncertain due to the absence of conclusive functional and genetic evidence.